The following is an entry in ClinVar:

NM_000057.4(BLM):c.2984A>G (p.Tyr995Cys)

Gene: BLM (BLM RecQ like helicase; plus strand). Cytogenetic location: 15q26.1.
Variant type: single nucleotide variant.
Coding change: c.2984A>G on transcript NM_000057.4 (MANE Select); coding-DNA position 2984, A replaced by G.
Protein change: p.Tyr995Cys; replaces tyrosine 995 with cysteine.
Molecular consequence: missense variant.
Genome position (GRCh38, 1-based): chr15:90,790,809, A>G. VCF-style: chr15-90790809-A-G. GRCh37 (hg19) VCF-style: chr15-91334039-A-G.
Other names: c.2984A>G, p.Tyr995Cys (NM_001287246.2, NM_001287247.2); c.1859A>G, p.Tyr620Cys (NM_001287248.2); short protein forms Y995C, Y620C.
Identifiers: ClinVar variation 822430 (VCV000822430.16), dbSNP rs779755994, ClinGen allele CA7738902.

ClinVar aggregate classification (germline): Uncertain significance. Review status: criteria provided, multiple submitters, no conflicts (2 of 4 stars). 3 submissions from 3 submitters: Uncertain significance (2). 1 of the submissions does not count toward it. Last evaluated 2024-10-12.

Conditions:
Bloom syndrome (BLM). Also called: Bloom-Torre-Machacek syndrome. Identifiers: Orphanet 125, MedGen C0005859, MONDO:0008876, OMIM 210900.
Hereditary cancer-predisposing syndrome. Also called: Tumor predisposition; Hereditary Cancer Syndrome; Neoplastic Syndromes, Hereditary; Hereditary neoplastic syndrome. Identifiers: Orphanet 140162, MedGen C0027672, MeSH D009386, MONDO:0015356.

gnomAD v4.1: 3 of 1,614,172 alleles (0.00019%); highest among the groups gnomAD compares: East Asian, 0.0045%; no homozygotes.

Submissions (3):

Labcorp Genetics (formerly Invitae), Labcorp
Classification: Uncertain significance for Bloom syndrome. Last evaluated: 2024-10-12. Review status: criteria provided, single submitter. Criteria: Invitae Variant Classification Sherloc (09022015). Collection method: clinical testing. Allele origin: germline.
Comment: This sequence change replaces tyrosine, which is neutral and polar, with cysteine, which is neutral and slightly polar, at codon 995 of the BLM protein (p.Tyr995Cys). This variant is present in population databases (rs779755994, gnomAD 0.0009%). This variant has not been reported in the literature in individuals affected with BLM-related conditions. ClinVar contains an entry for this variant (Variation ID: 822430). Invitae Evidence Modeling of protein sequence and biophysical properties (such as structural, functional, and spatial information, amino acid conservation, physicochemical variation, residue mobility, and thermodynamic stability) indicates that this missense variant is expected to disrupt BLM protein function with a positive predictive value of 80%. In summary, the available evidence is currently insufficient to determine the role of this variant in disease. Therefore, it has been classified as a Variant of Uncertain Significance.

Ambry Genetics
Classification: Uncertain significance for Hereditary cancer-predisposing syndrome. Last evaluated: 2022-06-23. Review status: criteria provided, single submitter. Criteria: Ambry Variant Classification Scheme 2023. Collection method: clinical testing. Allele origin: germline.
Comment: The p.Y995C variant (also known as c.2984A>G), located in coding exon 14 of the BLM gene, results from an A to G substitution at nucleotide position 2984. The tyrosine at codon 995 is replaced by cysteine, an amino acid with highly dissimilar properties. This amino acid position is highly conserved in available vertebrate species. In addition, this alteration is predicted to be deleterious by in silico analysis. Since supporting evidence is limited at this time, the clinical significance of this alteration remains unclear.

Natera, Inc.
Classification: Uncertain significance for Bloom syndrome. Last evaluated: 2020-11-14. Review status: no assertion criteria provided. Collection method: clinical testing. Allele origin: germline. Not counted in ClinVar's aggregate classification.